The following is an entry in ClinVar:

ClinVar aggregate classification (germline): Benign (1 of 4 stars; one submission).

Allele frequency attached by ClinVar (database versions not stated): TOPMed 0.00154; 1000 Genomes Project 0.00180; gnomAD 0.00153; gnomAD exomes 0.00188; 1000 Genomes Project 30x 0.00203; ExAC 0.00607.
gnomAD v4.1: 2,421 of 1,269,568 alleles (0.19%); highest among the groups gnomAD compares: Middle Eastern, 2.2%; 11 homozygotes.

Submission:

CeGaT Center for Human Genetics Tuebingen
Classification: Benign. Last evaluated: 2022-05-01. Review status: criteria provided, single submitter. Criteria: CeGaT Center For Human Genetics Tuebingen Variant Classification Criteria Version 2. Collection method: clinical testing. Allele origin: germline. Affected: yes. Observed: 1 variant allele.
Comment: ANKRD11: BS1, BS2

NM_013275.6(ANKRD11):c.-59-7223C>T

Genes: ANKRD11 (ankyrin repeat domain 11; minus strand), ANKRD11-AS2 (ANKRD11 antisense RNA 2; plus strand), LOC128462377 (ankyrin repeat domain 11 upstream open reading frame; minus strand). Cytogenetic location: 16q24.3.
Variant type: single nucleotide variant.
Coding change: c.-59-7223C>T on transcript NM_013275.6 (MANE Select); 7223 bases into the intron before 59 bases upstream of the start codon, C replaced by T.
Molecular consequence: intron variant. On other transcripts: non-coding transcript variant (1).
Genome position (GRCh38, 1-based): chr16:89,324,301, G>A on the plus strand (C>T on the coding strand, the complement: ANKRD11 is on the minus strand). VCF-style: chr16-89324301-G-A. GRCh37 (hg19) VCF-style: chr16-89390709-G-A.
Other names: c.-56-7226C>T (NM_001256183.2); c.-59-7223C>T (NM_001256182.2); c.10-7226C>T (NM_001416403.1); c.10-7223C>T (NM_001417603.1).
Identifiers: ClinVar variation 2647103 (VCV002647103.24), dbSNP rs192788151, ClinGen allele CA8243324.